The following is an entry in ClinVar:

NM_018109.4(MTPAP):c.1491A>C (p.Lys497Asn)

Gene: MTPAP (mitochondrial poly(A) polymerase; minus strand). Cytogenetic location: 10p11.23.
Variant type: single nucleotide variant.
Coding change: c.1491A>C on transcript NM_018109.4 (MANE Select); coding-DNA position 1491, A replaced by C.
Protein change: p.Lys497Asn; replaces lysine 497 with asparagine.
Molecular consequence: missense variant.
Genome position (GRCh38, 1-based): chr10:30,313,867, T>G on the plus strand (A>C on the coding strand, the complement: MTPAP is on the minus strand). VCF-style: chr10-30313867-T-G. GRCh37 (hg19) VCF-style: chr10-30602796-T-G.
Other names: c.1491A>C (NM_018109.3); short protein forms K497N.
Identifiers: ClinVar variation 1386022 (VCV001386022.7), dbSNP rs984681123, ClinGen allele CA205301029.
Genomic context (GRCh38, chr10:30,313,867, plus strand): 5'-AGGTCGATCTGTATCTTCCTGTTGTAAAATCCAGGCACTTTCTCGGGCCAAATCTACAAA[T>G]TTTTGCAGCTGGCTTTGACTTACATTTTTGCTTATGTTGAGAGAAGTTTCAAATGGATTC-3'
Protein context (NP_060579.3, residues 487-507): SKNVSQSQLQ[Lys497Asn]FVDLARESAW

ClinVar aggregate classification (germline): Uncertain significance. Review status: criteria provided, multiple submitters, no conflicts (2 of 4 stars). 2 submissions from 2 submitters: Uncertain significance (2). Last evaluated 2023-06-26.

Allele frequency attached by ClinVar (database versions not stated): TOPMed below 0.00001; gnomAD 0.00001; gnomAD exomes 0.00001 and 0.00002.
gnomAD v4.1: 12 of 1,614,066 alleles (0.00074%); highest among the groups gnomAD compares: Non-Finnish European, 0.001%; no homozygotes.

Submissions (2):

GeneDx
Classification: Uncertain significance. Last evaluated: 2023-06-26. Review status: criteria provided, single submitter. Criteria: GeneDx Variant Classification Process June 2021. Collection method: clinical testing. Allele origin: germline. Affected: yes.
Comment: Not observed at significant frequency in large population cohorts (gnomAD); In silico analysis supports that this missense variant does not alter protein structure/function; Has not been previously published as pathogenic or benign to our knowledge

Labcorp Genetics (formerly Invitae), Labcorp
Classification: Uncertain significance. Last evaluated: 2022-10-24. Review status: criteria provided, single submitter. Criteria: Invitae Variant Classification Sherloc (09022015). Collection method: clinical testing. Allele origin: germline.
Comment: This variant has not been reported in the literature in individuals affected with MTPAP-related conditions. This sequence change replaces lysine, which is basic and polar, with asparagine, which is neutral and polar, at codon 497 of the MTPAP protein (p.Lys497Asn). This variant is present in population databases (no rsID available, gnomAD 0.002%). ClinVar contains an entry for this variant (Variation ID: 1386022). Advanced modeling of protein sequence and biophysical properties (such as structural, functional, and spatial information, amino acid conservation, physicochemical variation, residue mobility, and thermodynamic stability) performed at Invitae indicates that this missense variant is not expected to disrupt MTPAP protein function. In summary, the available evidence is currently insufficient to determine the role of this variant in disease. Therefore, it has been classified as a Variant of Uncertain Significance.